The following is an entry in ClinVar:

NM_001276345.2(TNNT2):c.852-3C>G

Gene: TNNT2 (troponin T2, cardiac type; minus strand). Cytogenetic location: 1q32.1.
Variant type: single nucleotide variant.
Coding change: c.852-3C>G on transcript NM_001276345.2 (MANE Select); 3 bases into the intron before coding-DNA position 852, C replaced by G.
Molecular consequence: intron variant.
Genome position (GRCh38, 1-based): chr1:201,359,258, G>C on the plus strand (C>G on the coding strand, the complement: TNNT2 is on the minus strand). VCF-style: chr1-201359258-G-C. GRCh37 (hg19) VCF-style: chr1-201328386-G-C.
Other names: c.804-3C>G (NM_001001432.3); c.813-3C>G (NM_001001431.3); c.822-3C>G (NM_001001430.3, NM_001276347.2); c.723-3C>G (NM_001276346.2); c.843-3C>G (NM_000364.4).
Identifiers: ClinVar variation 998476 (VCV000998476.6), dbSNP rs749454768, ClinGen allele CA1219709411.

ClinVar aggregate classification (germline): Uncertain significance (1 of 4 stars; one submission).

Conditions:
Dilated cardiomyopathy 1D. Identifiers: Orphanet 154, Orphanet 54260, MedGen C1832243, MONDO:0011095, OMIM 601494.
Cardiomyopathy, familial restrictive, 3. Identifiers: Orphanet 75249, MedGen C2676271, MONDO:0012900, OMIM 612422.
Hypertrophic cardiomyopathy 2. Also called: TNNT2-Related Familial Hypertrophic Cardiomyopathy. Identifiers: MedGen C1861864, MONDO:0007266, OMIM 115195.

Submission:

Labcorp Genetics (formerly Invitae), Labcorp
Classification: Uncertain significance for Cardiomyopathy, familial restrictive, 3; Hypertrophic cardiomyopathy 2; Dilated cardiomyopathy 1D. Last evaluated: 2020-03-09. Review status: criteria provided, single submitter. Criteria: Invitae Variant Classification Sherloc (09022015). Collection method: clinical testing. Allele origin: germline.
Comment: This variant has not been reported in the literature in individuals with TNNT2-related conditions. Nucleotide substitutions within the consensus splice site are a relatively common cause of aberrant splicing (PMID: 17576681, 9536098). Algorithms developed to predict the effect of sequence changes on RNA splicing suggest that this variant may disrupt the consensus splice site, but this prediction has not been confirmed by published transcriptional studies. In summary, the available evidence is currently insufficient to determine the role of this variant in disease. Therefore, it has been classified as a Variant of Uncertain Significance. This variant is not present in population databases (ExAC no frequency). This sequence change falls in intron 15 of the TNNT2 gene. It does not directly change the encoded amino acid sequence of the TNNT2 protein, but it affects a nucleotide within the consensus splice site of the intron.

Literature cited by the submitters: PubMed 17576681; PubMed 9536098.